The following is an entry in ClinVar:

NM_001148.6(ANK2):c.4371+6G>A

Gene: ANK2 (ankyrin 2; plus strand). Cytogenetic location: 4q26.
Variant type: single nucleotide variant.
Coding change: c.4371+6G>A on transcript NM_001148.6 (MANE Select); 6 bases into the intron after coding-DNA position 4371, G replaced by A.
Molecular consequence: intron variant.
Genome position (GRCh38, 1-based): chr4:113,346,028, G>A. VCF-style: chr4-113346028-G-A. GRCh37 (hg19) VCF-style: chr4-114267184-G-A.
Other names: c.4356+6G>A (NM_001386186.2, NM_001386148.2); c.4158+6G>A (NM_001354269.3); c.4236+6G>A (NM_001386187.2); c.4230+6G>A (NM_001386147.1, NM_001354261.2); c.4215+6G>A (NM_001386160.1); c.4320+6G>A (NM_001354254.2); c.4341+6G>A (NM_001354239.2, NM_001354252.2); c.4242+6G>A (NM_001354272.2); and 31 more.
Identifiers: ClinVar variation 380729 (VCV000380729.15), dbSNP rs778112618, ClinGen allele CA3051052.
Genomic context (GRCh38, chr4:113,346,028, plus strand): 5'-CCTGGTGCATCAAGCTATTTGCAACTTAAACATCACTTTGCCGATTTATACAAAGGTATC[G>A]TAAAATCTGCTATAGTGCAATTCAGGTAGAGTAGGAATTGATTTTTAAATCTTGTTTTAG-3'

ClinVar aggregate classification (germline): Conflicting classifications of pathogenicity. Review status: criteria provided, conflicting classifications (1 of 4 stars). 5 submissions from 5 submitters: Uncertain significance (1); Benign (1); Likely benign (3). Last evaluated 2026-01-20.

Conditions:
Long QT syndrome (LQTS). Identifiers: MedGen C0023976, MeSH D008133, MONDO:0002442. Disease mechanism: loss of function. Inheritance: Various modes of inheritance.

Allele frequency attached by ClinVar (database versions not stated): gnomAD 0.00003; TOPMed 0.00003; ExAC 0.00004; gnomAD exomes 0.00004.
gnomAD v4.1: 56 of 1,612,736 alleles (0.0035%); highest among the groups gnomAD compares: Non-Finnish European, 0.0043%; no homozygotes.

Submissions (5):

Labcorp Genetics (formerly Invitae), Labcorp
Classification: Uncertain significance for Long QT syndrome. Last evaluated: 2026-01-20. Review status: criteria provided, single submitter. Criteria: Invitae Variant Classification Sherloc (09022015). Collection method: clinical testing. Allele origin: germline.
Comment: This sequence change falls in intron 35 of the ANK2 gene. It does not directly change the encoded amino acid sequence of the ANK2 protein. It affects a nucleotide within the consensus splice site. This variant is present in population databases (rs778112618, gnomAD 0.01%). This variant has not been reported in the literature in individuals affected with ANK2-related conditions. ClinVar contains an entry for this variant (Variation ID: 380729). Variants that disrupt the consensus splice site are a relatively common cause of aberrant splicing (PMID: 17576681, 9536098). Algorithms developed to predict the effect of sequence changes on RNA splicing suggest that this variant is not likely to affect RNA splicing. In summary, the available evidence is currently insufficient to determine the role of this variant in disease. Therefore, it has been classified as a Variant of Uncertain Significance.

Women's Health and Genetics/Laboratory Corporation of America, LabCorp
Classification: Benign. Last evaluated: 2025-07-24. Review status: criteria provided, single submitter. Criteria: LabCorp Variant Classification Summary - May 2015. Collection method: clinical testing. Allele origin: germline.

CeGaT Center for Human Genetics Tuebingen
Classification: Likely benign. Last evaluated: 2025-03-01. Review status: criteria provided, single submitter. Criteria: CeGaT Center For Human Genetics Tuebingen Variant Classification Criteria Version 2. Collection method: clinical testing. Allele origin: germline. Affected: yes. Observed: 1 variant allele.
Comment: ANK2: BP4

Blueprint Genetics
Classification: Likely benign. Last evaluated: 2024-10-29. Review status: criteria provided, single submitter. Criteria: ACMG Guidelines, 2015. Collection method: clinical testing. Allele origin: germline.

GeneDx
Classification: Likely benign. Last evaluated: 2017-12-04. Review status: criteria provided, single submitter. Criteria: GeneDx Variant Classification (06012015). Collection method: clinical testing. Allele origin: germline. Affected: yes.
Comment: This variant is considered likely benign or benign based on one or more of the following criteria: it is a conservative change, it occurs at a poorly conserved position in the protein, it is predicted to be benign by multiple in silico algorithms, and/or has population frequency not consistent with disease.

Literature cited by the submitters: PubMed 17576681 (cited by Labcorp Genetics (formerly Invitae), Labcorp); PubMed 9536098 (cited by Labcorp Genetics (formerly Invitae), Labcorp).